The following is an entry in ClinVar:

ClinVar aggregate classification (germline): Likely benign. Review status: criteria provided, multiple submitters, no conflicts (2 of 4 stars). 3 submissions from 3 submitters: Likely benign (3). Last evaluated 2026-01-02.

Conditions:
NLRP3-related disorder. Also called: NLRP3-related condition; NLRP3-Related Disorders.
Cryopyrin associated periodic syndrome (CAPS). Identifiers: Orphanet 208650, MedGen C2316212, MONDO:0016168.

Allele frequency attached by ClinVar (database versions not stated): TOPMed 0.00001; ExAC 0.00002; gnomAD exomes 0.00002; ESP Exome Variant Server 0.00008.
gnomAD v4.1: 33 of 1,613,854 alleles (0.002%); highest among the groups gnomAD compares: South Asian, 0.0033%; no homozygotes.

Submissions (3):

Labcorp Genetics (formerly Invitae), Labcorp
Classification: Likely benign for Cryopyrin associated periodic syndrome. Last evaluated: 2026-01-02. Review status: criteria provided, single submitter. Criteria: Invitae Variant Classification Sherloc (09022015). Collection method: clinical testing. Allele origin: germline.

PreventionGenetics, part of Exact Sciences
Classification: Likely benign for NLRP3-related condition. Last evaluated: 2024-10-07. Review status: criteria provided, single submitter. Criteria: ACMG Guidelines, 2015. Collection method: clinical testing. Allele origin: germline.
Comment: This variant is classified as likely benign based on ACMG/AMP sequence variant interpretation guidelines (Richards et al. 2015 PMID: 25741868, with internal and published modifications).

CeGaT Center for Human Genetics Tuebingen
Classification: Likely benign. Last evaluated: 2020-06-01. Review status: criteria provided, single submitter. Criteria: CeGaT Center For Human Genetics Tuebingen Variant Classification Criteria Version 2. Collection method: clinical testing. Allele origin: germline. Affected: yes. Observed: 1 variant allele.

NM_001243133.2(NLRP3):c.729G>A (p.Ser243=)

Gene: NLRP3 (NLR family pyrin domain containing 3; plus strand). Cytogenetic location: 1q44.
Variant type: single nucleotide variant.
Coding change: c.729G>A on transcript NM_001243133.2 (MANE Select); coding-DNA position 729, G replaced by A.
Protein change: p.Ser243=; no amino-acid change (serine 243 retained).
Molecular consequence: synonymous variant.
Genome position (GRCh38, 1-based): chr1:247,424,178, G>A. VCF-style: chr1-247424178-G-A. GRCh37 (hg19) VCF-style: chr1-247587480-G-A.
Other names: c.729G>A, p.Ser243= (NM_001079821.3, NM_001127461.3, NM_001127462.3 and 1 more transcripts); c.735G>A, p.Ser245= (NM_004895.5); c.735G>A (NM_004895.4).
Identifiers: ClinVar variation 932659 (VCV000932659.47), dbSNP rs147198684, ClinGen allele CA1494927.